The following is an entry in ClinVar:

NM_004565.3(PEX14):c.304G>A (p.Ala102Thr)

Gene: PEX14 (peroxisomal biogenesis factor 14; plus strand). Cytogenetic location: 1p36.22.
Variant type: single nucleotide variant.
Coding change: c.304G>A on transcript NM_004565.3 (MANE Select); coding-DNA position 304, G replaced by A.
Protein change: p.Ala102Thr; replaces alanine 102 with threonine.
Molecular consequence: missense variant.
Genome position (GRCh38, 1-based): chr1:10,618,337, G>A. VCF-style: chr1-10618337-G-A. GRCh37 (hg19) VCF-style: chr1-10678394-G-A.
Other names: c.304G>A (NM_004565.2); short protein forms A102T.
Identifiers: ClinVar variation 1433592 (VCV001433592.5), dbSNP rs753731034, ClinGen allele CA583796.

ClinVar aggregate classification (germline): Uncertain significance. Review status: criteria provided, multiple submitters, no conflicts (2 of 4 stars). 3 submissions from 3 submitters: Uncertain significance (3). Last evaluated 2026-09-01.

Conditions:
Peroxisome biogenesis disorder, complementation group K (CGK). Identifiers: MedGen C1866257, MONDO:0800365.
Inborn genetic diseases. Identifiers: MedGen C0950123, MeSH D030342.

Allele frequency attached by ClinVar (database versions not stated): ExAC 0.00002; gnomAD 0.00003; TOPMed 0.00008.
gnomAD v4.1: 66 of 1,613,438 alleles (0.0041%); highest among the groups gnomAD compares: Admixed American, 0.013%; no homozygotes.

Submissions (3):

CeGaT Center for Human Genetics Tuebingen
Classification: Uncertain significance. Last evaluated: 2026-09-01. Review status: criteria provided, single submitter. Criteria: CeGaT Center For Human Genetics Tuebingen Variant Classification Criteria Version 2. Collection method: clinical testing. Allele origin: germline. Affected: yes. Observed: 1 variant allele.
Comment: PEX14: PM2, BP4

Ambry Genetics
Classification: Uncertain significance for Inborn genetic diseases. Last evaluated: 2025-11-02. Review status: criteria provided, single submitter. Criteria: Ambry Variant Classification Scheme 2023. Collection method: clinical testing. Allele origin: germline.

Labcorp Genetics (formerly Invitae), Labcorp
Classification: Uncertain significance for Peroxisome biogenesis disorder, complementation group K. Last evaluated: 2022-07-18. Review status: criteria provided, single submitter. Criteria: Invitae Variant Classification Sherloc (09022015). Collection method: clinical testing. Allele origin: germline.
Comment: This sequence change replaces alanine, which is neutral and non-polar, with threonine, which is neutral and polar, at codon 102 of the PEX14 protein (p.Ala102Thr). This variant is present in population databases (rs753731034, gnomAD 0.02%). This variant has not been reported in the literature in individuals affected with PEX14-related conditions. ClinVar contains an entry for this variant (Variation ID: 1433592). Algorithms developed to predict the effect of missense changes on protein structure and function output the following: SIFT: "Tolerated"; PolyPhen-2: "Benign"; Align-GVGD: "Class C0". The threonine amino acid residue is found in multiple mammalian species, which suggests that this missense change does not adversely affect protein function. In summary, the available evidence is currently insufficient to determine the role of this variant in disease. Therefore, it has been classified as a Variant of Uncertain Significance.